The following is an entry in ClinVar:

ClinVar aggregate classification (germline): Likely benign (1 of 4 stars; one submission).

Allele frequency attached by ClinVar (database versions not stated): 1000 Genomes Project 30x 0.00109; ESP Exome Variant Server 0.00138; 1000 Genomes Project 0.00140; ExAC 0.00146.
gnomAD v4.1: 1,452 of 1,611,956 alleles (0.09%); highest among the groups gnomAD compares: African/African-American, 0.47%; 1 homozygote.

Submission:

CeGaT Center for Human Genetics Tuebingen
Classification: Likely benign. Last evaluated: 2023-02-01. Review status: criteria provided, single submitter. Criteria: CeGaT Center For Human Genetics Tuebingen Variant Classification Criteria Version 2. Collection method: clinical testing. Allele origin: germline. Affected: yes. Observed: 1 variant allele.
Comment: MGAT5B: BP4, BP7

NM_001199172.2(MGAT5B):c.1041G>A (p.Pro347=)

Gene: MGAT5B (alpha-1,6-mannosylglycoprotein 6-beta-N-acetylglucosaminyltransferase B; plus strand). Cytogenetic location: 17q25.2.
Variant type: single nucleotide variant.
Coding change: c.1041G>A on transcript NM_001199172.2 (MANE Select); coding-DNA position 1041, G replaced by A.
Protein change: p.Pro347=; no amino-acid change (proline 347 retained).
Molecular consequence: synonymous variant.
Genome position (GRCh38, 1-based): chr17:76,924,981, G>A. VCF-style: chr17-76924981-G-A. GRCh37 (hg19) VCF-style: chr17-74921063-G-A.
Other names: c.1041G>A, p.Pro347= (NM_144677.3); c.1074G>A, p.Pro358= (NM_198955.1).
Identifiers: ClinVar variation 2648322 (VCV002648322.24), dbSNP rs114240204, ClinGen allele CA8791559.
Genomic context (GRCh38, chr17:76,924,981, plus strand): 5'-AGGTGGGTTTCTTGGGGCCCAGAATCTGAAGGGCTCTTCTCTCAGTAACTTAGGGGTACC[G>A]CCAGGCCGGGGAAGCTGCCCGCTCACCATGCCCCTGCCCTTCGACCTCATCTACACCGAC-3'
Protein context (NP_001186101.1, residues 337-357): LKELQSNLGV[Pro347=]PGRGSCPLTM